The following is an entry in ClinVar:

NM_016938.5(EFEMP2):c.527G>A (p.Arg176His)

Gene: EFEMP2 (EGF-like fibulin extracellular matrix protein 2; minus strand). Cytogenetic location: 11q13.1.
Variant type: single nucleotide variant.
Coding change: c.527G>A on transcript NM_016938.5 (MANE Select); coding-DNA position 527, G replaced by A.
Protein change: p.Arg176His; replaces arginine 176 with histidine.
Molecular consequence: missense variant. On other transcripts: non-coding transcript variant (1).
Genome position (GRCh38, 1-based): chr11:65,870,201, C>T on the plus strand (G>A on the coding strand, the complement: EFEMP2 is on the minus strand). VCF-style: chr11-65870201-C-T. GRCh37 (hg19) VCF-style: chr11-65637672-C-T.
Other names: c.527G>A (NM_016938.4); short protein forms R176H.
Identifiers: ClinVar variation 1011654 (VCV001011654.8), dbSNP rs772504760, ClinGen allele CA6110624.

ClinVar aggregate classification (germline): Uncertain significance. Review status: criteria provided, multiple submitters, no conflicts (2 of 4 stars). 2 submissions from 2 submitters: Uncertain significance (2). Last evaluated 2022-11-04.

Conditions:
Cardiovascular phenotype. Identifiers: MedGen CN230736.
Cutis laxa, autosomal recessive, type 1B (ARCL1B). Also called: CUTIS LAXA, AUTOSOMAL RECESSIVE, TYPE IB; EFEMP2-Related Cutis Laxa. Identifiers: Orphanet 90349, MedGen C3280798, MONDO:0013754, OMIM 614437. Disease mechanism: loss of function.

Allele frequency attached by ClinVar (database versions not stated): gnomAD below 0.00001 and 0.00001; gnomAD exomes 0.00001; TOPMed 0.00001; ExAC 0.00003; 1000 Genomes Project 30x 0.00031.

Submissions (2):

Ambry Genetics
Classification: Uncertain significance for Cardiovascular phenotype. Last evaluated: 2022-11-04. Review status: criteria provided, single submitter. Criteria: Ambry Variant Classification Scheme 2023. Collection method: clinical testing. Allele origin: germline.
Comment: The p.R176H variant (also known as c.527G>A), located in coding exon 5 of the EFEMP2 gene, results from a G to A substitution at nucleotide position 527. The arginine at codon 176 is replaced by histidine, an amino acid with highly similar properties. This amino acid position is conserved. In addition, the in silico prediction for this alteration is inconclusive. Since supporting evidence is limited at this time, the clinical significance of this alteration remains unclear.

Labcorp Genetics (formerly Invitae), Labcorp
Classification: Uncertain significance for Cutis laxa, autosomal recessive, type 1B. Last evaluated: 2021-09-09. Review status: criteria provided, single submitter. Criteria: Invitae Variant Classification Sherloc (09022015). Collection method: clinical testing. Allele origin: germline.
Comment: This sequence change replaces arginine with histidine at codon 176 of the EFEMP2 protein (p.Arg176His). The arginine residue is highly conserved and there is a small physicochemical difference between arginine and histidine. This variant is present in population databases (rs772504760, ExAC 0.01%). This variant has not been reported in the literature in individuals affected with EFEMP2-related conditions. Algorithms developed to predict the effect of missense changes on protein structure and function (SIFT, PolyPhen-2, Align-GVGD) all suggest that this variant is likely to be disruptive. In summary, the available evidence is currently insufficient to determine the role of this variant in disease. Therefore, it has been classified as a Variant of Uncertain Significance.